The following is an entry in ClinVar:

NM_000051.4(ATM):c.2450A>G (p.Asp817Gly)

Gene: ATM (ATM serine/threonine kinase; plus strand). Cytogenetic location: 11q22.3.
Variant type: single nucleotide variant.
Coding change: c.2450A>G on transcript NM_000051.4 (MANE Select); coding-DNA position 2450, A replaced by G.
Protein change: p.Asp817Gly; replaces aspartic acid 817 with glycine.
Molecular consequence: missense variant.
Genome position (GRCh38, 1-based): chr11:108,259,059, A>G. VCF-style: chr11-108259059-A-G. GRCh37 (hg19) VCF-style: chr11-108129786-A-G.
Other names: c.2450A>G, p.Asp817Gly (NM_001351834.2); short protein forms D817G.
Identifiers: ClinVar variation 186901 (VCV000186901.25), dbSNP rs587779821, ClinGen allele CA196188.

ClinVar aggregate classification (germline): Uncertain significance. Review status: criteria provided, multiple submitters, no conflicts (2 of 4 stars). 5 submissions from 5 submitters: Uncertain significance (4). 1 of the submissions does not count toward it. Last evaluated 2025-10-26.

Conditions:
Hereditary cancer-predisposing syndrome. Also called: Hereditary Cancer Syndrome; Neoplastic Syndromes, Hereditary; Tumor predisposition; Hereditary neoplastic syndrome. Identifiers: Orphanet 140162, MedGen C0027672, MeSH D009386, MONDO:0015356.
Ataxia-telangiectasia syndrome (AT). Also called: Ataxia-telangiectasia, complementation group D; AT, COMPLEMENTATION GROUP C; ATAXIA-TELANGIECTASIA, COMPLEMENTATION GROUP A; ATAXIA-TELANGIECTASIA, FRESNO VARIANT; Ataxia-telangiectasia; LOUIS-BAR SYNDROME. Identifiers: Orphanet 100, MedGen C0004135, MONDO:0008840, OMIM 208900.

Allele frequency attached by ClinVar (database versions not stated): TOPMed below 0.00001.
gnomAD v4.1: 5 of 1,613,190 alleles (0.00031%); highest among the groups gnomAD compares: Non-Finnish European, 0.00042%; no homozygotes.

Submissions (5):

Labcorp Genetics (formerly Invitae), Labcorp
Classification: Uncertain significance for Ataxia-telangiectasia syndrome. Last evaluated: 2025-10-26. Review status: criteria provided, single submitter. Criteria: Invitae Variant Classification Sherloc (09022015). Collection method: clinical testing. Allele origin: germline.
Comment: This sequence change replaces aspartic acid, which is acidic and polar, with glycine, which is neutral and non-polar, at codon 817 of the ATM protein (p.Asp817Gly). This variant is not present in population databases (gnomAD no frequency). This variant has not been reported in the literature in individuals affected with ATM-related conditions. ClinVar contains an entry for this variant (Variation ID: 186901). Invitae Evidence Modeling of protein sequence and biophysical properties (such as structural, functional, and spatial information, amino acid conservation, physicochemical variation, residue mobility, and thermodynamic stability) has been performed for this missense variant. However, the output from this modeling did not meet the statistical confidence thresholds required to predict the impact of this variant on ATM protein function. Algorithms developed to predict the effect of sequence changes on RNA splicing suggest that this variant may disrupt the consensus splice site. In summary, the available evidence is currently insufficient to determine the role of this variant in disease. Therefore, it has been classified as a Variant of Uncertain Significance.

Ambry Genetics
Classification: Uncertain significance for Hereditary cancer-predisposing syndrome. Last evaluated: 2025-06-09. Review status: criteria provided, single submitter. Criteria: Ambry Variant Classification Scheme 2023. Collection method: clinical testing. Allele origin: germline.
Comment: The p.D817G variant (also known as c.2450A>G), located in coding exon 15 of the ATM gene, results from an A to G substitution at nucleotide position 2450. The aspartic acid at codon 817 is replaced by glycine, an amino acid with similar properties. This variant was reported in 1/60,466 breast cancer cases and in 1/53,461 controls (Dorling et al. N Engl J Med. 2021 02;384:428-439). This amino acid position is highly conserved in available vertebrate species. In addition, this alteration is predicted to be deleterious by in silico analysis. In silico splice site analysis predicts that this alteration will result in the creation or strengthening of a novel splice donor site. RNA studies have demonstrated that this alteration results in an incomplete splice defect; the clinical impact of this abnormal splicing is unknown at this time (Ambry internal data). Based on the available evidence, the clinical significance of this variant remains unclear.

Color Diagnostics, LLC DBA Color Health
Classification: Uncertain significance for Hereditary cancer-predisposing syndrome. Last evaluated: 2023-02-16. Review status: criteria provided, single submitter. Criteria: ACMG Guidelines, 2015. Collection method: clinical testing. Allele origin: germline.
Comment: This missense variant replaces aspartic acid with glycine at codon 817 of the ATM protein. Computational prediction suggests that this variant may not impact protein structure and function (internally defined REVEL score threshold <= 0.5, PMID: 27666373). Splice site prediction tools suggest that this variant may create a new splice donor site, although this prediction has not been confirmed in published RNA studies. In a large international case-control study, this variant was reported in 1/60466 breast cancer cases and 1/53461 controls (PMID: 33471991). This variant has not been identified in the general population by the Genome Aggregation Database (gnomAD). The available evidence is insufficient to determine the role of this variant in disease conclusively. Therefore, this variant is classified as a Variant of Uncertain Significance.

Women's Health and Genetics/Laboratory Corporation of America, LabCorp
Classification: Uncertain significance. Last evaluated: 2017-06-16. Review status: criteria provided, single submitter. Criteria: LabCorp Variant Classification Summary - May 2015. Collection method: clinical testing. Allele origin: germline.
Comment: Variant summary: The ATM c.2450A>G (p.Asp817Gly) variant involves the alteration of a conserved nucleotide. 3/4 in silico tools predict a damaging outcome for this variant (SNPsandGO not accessible at the time of the evaluation). This variant is absent in 118000 control chromosomes. In addition, multiple clinical diagnostic laboratories/reputable databases classified this variant as uncertain significance. The variant of interest has not, to our knowledge, been reported in affected individuals via publications; nor evaluated for functional impact by in vivo/vitro studies. Because of the absence of clinical information and the lack of functional studies, the variant is classified as a variant of uncertain significance (VUS) until additional information becomes available.

Natera, Inc.
Classification: Uncertain significance for Ataxia-telangiectasia. Last evaluated: 2020-10-20. Review status: no assertion criteria provided. Collection method: clinical testing. Allele origin: germline. Not counted in ClinVar's aggregate classification.

Literature cited by the submitters: PubMed 33471991 (cited by Ambry Genetics and Color Diagnostics, LLC DBA Color Health).